The following is an entry in ClinVar:

NM_013382.7(POMT2):c.1849G>A (p.Val617Ile)

Gene: POMT2 (protein O-mannosyltransferase 2; minus strand). Cytogenetic location: 14q24.3.
Variant type: single nucleotide variant.
Coding change: c.1849G>A on transcript NM_013382.7 (MANE Select); coding-DNA position 1849, G replaced by A.
Protein change: p.Val617Ile; replaces valine 617 with isoleucine.
Molecular consequence: missense variant.
Genome position (GRCh38, 1-based): chr14:77,279,865, C>T on the plus strand (G>A on the coding strand, the complement: POMT2 is on the minus strand). VCF-style: chr14-77279865-C-T. GRCh37 (hg19) VCF-style: chr14-77746208-C-T.
Other names: short protein forms V617I.
Identifiers: ClinVar variation 1806548 (VCV001806548.1), dbSNP rs2503164499, ClinGen allele CA390514568.
Genomic context (GRCh38, chr14:77,279,865, plus strand): 5'-GAGCCCAGAGGACCTGACCTGCAACCTCCGCTGGCAGCCGTGCCCCTCTCTGCATGGCTA[C>T]AGCAATGATGCTCCCTGAGAGGAGGTAGAGGGCGATGCTCAACAGATTCAGCCACCAAAC-3'
Protein context (NP_037514.2, residues 607-627): LYLLSGSIIA[Val617Ile]AMQRGARLPA

ClinVar aggregate classification (germline): Uncertain significance (1 of 4 stars; one submission).

Allele frequency attached by ClinVar (database versions not stated): gnomAD exomes below 0.00001.
gnomAD v4.1: 5 of 1,614,006 alleles (0.00031%); highest among the groups gnomAD compares: Non-Finnish European, 0.00034%; no homozygotes.

Submission:

GeneDx
Classification: Uncertain significance. Last evaluated: 2022-06-25. Review status: criteria provided, single submitter. Criteria: GeneDx Variant Classification Process June 2021. Collection method: clinical testing. Allele origin: germline. Affected: yes.
Comment: Not observed at significant frequency in large population cohorts (gnomAD); In silico analysis supports that this missense variant does not alter protein structure/function; Has not been previously published as pathogenic or benign to our knowledge